The following is an entry in ClinVar:

ClinVar aggregate classification (germline): Uncertain significance. Review status: criteria provided, multiple submitters, no conflicts (2 of 4 stars). 2 submissions from 2 submitters: Uncertain significance (2). Last evaluated 2022-08-13.

Conditions:
Hyperphosphatasia with impaired intellectual development syndrome 2. Also called: GLYCOSYLPHOSPHATIDYLINOSITOL BIOSYNTHESIS DEFECT 6; Hyperphosphatasia with intellectual disability syndrome 2. Identifiers: Orphanet 247262, MedGen C3553637, MONDO:0013882, OMIM 614749.

Allele frequency attached by ClinVar (database versions not stated): gnomAD exomes 0.00001 and below 0.00001; TOPMed 0.00002; gnomAD 0.00001.
gnomAD v4.1: 4 of 1,612,390 alleles (0.00025%); highest among the groups gnomAD compares: African/African-American, 0.004%; no homozygotes.

Submissions (2):

Labcorp Genetics (formerly Invitae), Labcorp
Classification: Uncertain significance for Hyperphosphatasia with impaired intellectual development syndrome 2. Last evaluated: 2022-08-13. Review status: criteria provided, single submitter. Criteria: Invitae Variant Classification Sherloc (09022015). Collection method: clinical testing. Allele origin: germline.
Comment: This sequence change falls in intron 8 of the PIGO gene. It does not directly change the encoded amino acid sequence of the PIGO protein. It affects a nucleotide within the consensus splice site. This variant is present in population databases (rs746026821, gnomAD 0.003%). This variant has not been reported in the literature in individuals affected with PIGO-related conditions. ClinVar contains an entry for this variant (Variation ID: 1305689). Variants that disrupt the consensus splice site are a relatively common cause of aberrant splicing (PMID: 17576681, 9536098). Algorithms developed to predict the effect of sequence changes on RNA splicing suggest that this variant is not likely to affect RNA splicing. In summary, the available evidence is currently insufficient to determine the role of this variant in disease. Therefore, it has been classified as a Variant of Uncertain Significance.

GeneDx
Classification: Uncertain significance. Last evaluated: 2019-05-09. Review status: criteria provided, single submitter. Criteria: GeneDx Variant Classification Process June 2021. Collection method: clinical testing. Allele origin: germline. Affected: yes.
Comment: Not observed at a significant frequency in large population cohorts (Lek et al., 2016); Has not been previously published as pathogenic or benign to our knowledge; In-silico analysis, which includes splice predictors and evolutionary conservation, is inconclusive as to whether the variant alters gene splicing. In the absence of RNA/functional studies, the actual effect of this sequence change is unknown.

Literature cited by the submitters: PubMed 17576681 (cited by Labcorp Genetics (formerly Invitae), Labcorp); PubMed 9536098 (cited by Labcorp Genetics (formerly Invitae), Labcorp).

NM_032634.4(PIGO):c.2855-3C>T

Gene: PIGO (phosphatidylinositol glycan anchor biosynthesis class O; minus strand). Cytogenetic location: 9p13.3.
Variant type: single nucleotide variant.
Coding change: c.2855-3C>T on transcript NM_032634.4 (MANE Select); 3 bases into the intron before coding-DNA position 2855, C replaced by T.
Molecular consequence: intron variant.
Genome position (GRCh38, 1-based): chr9:35,090,283, G>A on the plus strand (C>T on the coding strand, the complement: PIGO is on the minus strand). VCF-style: chr9-35090283-G-A. GRCh37 (hg19) VCF-style: chr9-35090280-G-A.
Other names: c.1604-3C>T (NM_152850.4, NM_001201484.2).
Identifiers: ClinVar variation 1305689 (VCV001305689.6), dbSNP rs746026821, ClinGen allele CA192708533.
Genomic context (GRCh38, chr9:35,090,283, plus strand): 5'-TTCCGCAGCCCTTGACTCTCACACAGGAAAGGCCAGAGCAGGAGCAGTGGGCAACCTACT[G>A]CCTCAAGAGAGGGTATGGCTGGAATCAACAGGCCACCCTGGCTGGCTCAGGTTCCAATTA-3'